The following is an entry in ClinVar:

NM_175914.5(HNF4A):c.*977C>G

Gene: HNF4A (hepatocyte nuclear factor 4 alpha; plus strand). Cytogenetic location: 20q13.12.
Variant type: single nucleotide variant.
Coding change: c.*977C>G on transcript NM_175914.5 (MANE Select); 977 bases downstream of the stop codon, C replaced by G.
Molecular consequence: 3 prime UTR variant.
Genome position (GRCh38, 1-based): chr20:44,430,642, C>G. VCF-style: chr20-44430642-C-G. GRCh37 (hg19) VCF-style: chr20-43059282-C-G.
Other names: c.*977C>G (NM_000457.6, NM_001030003.3, NM_001258355.2 and 3 more transcripts).
Identifiers: ClinVar variation 338451 (VCV000338451.6), dbSNP rs367907885, ClinGen allele CA10649738.

ClinVar aggregate classification (germline): Conflicting classifications of pathogenicity. Review status: criteria provided, conflicting classifications (1 of 4 stars). 3 submissions from 2 submitters: Uncertain significance (1); Benign (1); Likely benign (1). Last evaluated 2018-01-13.

Conditions:
Familial hyperinsulinism. Also called: Congenital hyperinsulinism. Identifiers: Orphanet 276525, MedGen C3888018, MONDO:0017182. Disease mechanism: loss of function.
Maturity-onset diabetes of the young type 1. Also called: MILD JUVENILE DIABETES MELLITUS; MODY, type I; MODY type 1; Diabetes mellitus MODY type 1; MODY HNF4A related; HNF4A-Related Maturity-Onset Diabetes of the Young Type 1. Identifiers: Orphanet 552, MedGen C1852093, MONDO:0007452, OMIM 125850. Disease mechanism: loss of function.
Maturity-onset diabetes of the young (MODY). Also called: Maturity onset diabetes mellitus in young. Identifiers: Orphanet 552, MedGen C0342276, MONDO:0018911, HP:0004904.

Allele frequency attached by ClinVar (database versions not stated): gnomAD 0.00009 and 0.00019; TOPMed 0.00022; 1000 Genomes Project 0.00200; 1000 Genomes Project 30x 0.00203.

Submissions (3):

Illumina Laboratory Services, Illumina
Classification: Uncertain significance for Familial hyperinsulinism. Last evaluated: 2018-01-13. Review status: criteria provided, single submitter. Criteria: ICSL Variant Classification Criteria 13 December 2019. Collection method: clinical testing. Allele origin: germline.

Illumina Laboratory Services, Illumina
Classification: Likely benign for Maturity-onset diabetes of the young type 1. Last evaluated: 2018-01-13. Review status: criteria provided, single submitter. Criteria: ICSL Variant Classification Criteria 13 December 2019. Collection method: clinical testing. Allele origin: germline.
Comment: This variant was observed in the ICSL laboratory as part of a predisposition screen in an ostensibly healthy population. It had not been previously curated by ICSL or reported in the Human Gene Mutation Database (HGMD: prior to June 1st, 2018), and was therefore a candidate for classification through an automated scoring system. Utilizing variant allele frequency, disease prevalence and penetrance estimates, and inheritance mode, an automated score was calculated to assess if this variant is too frequent to cause the disease. Based on the score and internal cut-off values, a variant classified as likely benign is not then subjected to further curation. The score for this variant resulted in a classification of likely benign for this disease.

Clinical Genomics, Uppaluri K&H Personalized Medicine Clinic
Classification: Benign for Maturity-onset diabetes of the young. Review status: criteria provided, single submitter. Criteria: K & H Uppaluri Personalized Medicine Clinic Variant Classification & Assertion Criteria_Updated V.1. Collection method: research. Allele origin: unknown. Inheritance: Autosomal dominant inheritance.
Comment: Potent mutations in HNF4A are associated with poor insulin secretion in response to hyperglycemia. Associated with MODY1. Patients initially respond well to sulfonylureas but eventually become insulin dependent. However, more evidence is required to ascertain the role of this particular variant rs367907885 in MODY, yet.

Literature cited by the submitters: DOI 10.1159/000334532 (cited by Clinical Genomics, Uppaluri K&H Personalized Medicine Clinic); PubMed 18268044 (cited by Clinical Genomics, Uppaluri K&H Personalized Medicine Clinic); PubMed 17563455 (cited by Clinical Genomics, Uppaluri K&H Personalized Medicine Clinic); PubMed 32583173 (cited by Clinical Genomics, Uppaluri K&H Personalized Medicine Clinic); PubMed 35052457 (cited by Clinical Genomics, Uppaluri K&H Personalized Medicine Clinic); PubMed 35118593 (cited by Clinical Genomics, Uppaluri K&H Personalized Medicine Clinic).